The following is an entry in ClinVar:

ClinVar aggregate classification (germline): Uncertain significance (1 of 4 stars; one submission).

Conditions:
Dilated cardiomyopathy 1DD (CMD1DD). Identifiers: Orphanet 154, MedGen C2750995, MONDO:0013168, OMIM 613172.

gnomAD v4.1: 1 of 1,551,490 alleles (0.000064%); highest among the groups gnomAD compares: Non-Finnish European, 0.000087%; no homozygotes.

Submission:

Labcorp Genetics (formerly Invitae), Labcorp
Classification: Uncertain significance for Dilated cardiomyopathy 1DD. Last evaluated: 2025-03-21. Review status: criteria provided, single submitter. Criteria: Invitae Variant Classification Sherloc (09022015). Collection method: clinical testing. Allele origin: germline.
Comment: This sequence change replaces glutamine, which is neutral and polar, with arginine, which is basic and polar, at codon 611 of the RBM20 protein (p.Gln611Arg). This variant is not present in population databases (gnomAD no frequency). This variant has not been reported in the literature in individuals affected with RBM20-related conditions. Invitae Evidence Modeling of protein sequence and biophysical properties (such as structural, functional, and spatial information, amino acid conservation, physicochemical variation, residue mobility, and thermodynamic stability) has been performed for this missense variant. However, the output from this modeling did not meet the statistical confidence thresholds required to predict the impact of this variant on RBM20 protein function. In summary, the available evidence is currently insufficient to determine the role of this variant in disease. Therefore, it has been classified as a Variant of Uncertain Significance.

NM_001134363.3(RBM20):c.1832A>G (p.Gln611Arg)

Gene: RBM20 (RNA binding motif protein 20; plus strand). Cytogenetic location: 10q25.2.
Variant type: single nucleotide variant.
Coding change: c.1832A>G on transcript NM_001134363.3 (MANE Select); coding-DNA position 1832, A replaced by G.
Protein change: p.Gln611Arg; replaces glutamine 611 with arginine.
Molecular consequence: missense variant.
Genome position (GRCh38, 1-based): chr10:110,810,414, A>G. VCF-style: chr10-110810414-A-G. GRCh37 (hg19) VCF-style: chr10-112570172-A-G.
Other names: short protein forms Q611R.
Identifiers: ClinVar variation 3609600 (VCV003609600.2).